The following is an entry in ClinVar:

NM_014915.3(ANKRD26):c.2359G>A (p.Glu787Lys)

Gene: ANKRD26 (ankyrin repeat domain containing 26; minus strand). Cytogenetic location: 10p12.1.
Variant type: single nucleotide variant.
Coding change: c.2359G>A on transcript NM_014915.3 (MANE Select); coding-DNA position 2359, G replaced by A.
Protein change: p.Glu787Lys; replaces glutamic acid 787 with lysine.
Molecular consequence: missense variant.
Genome position (GRCh38, 1-based): chr10:27,039,981, C>T on the plus strand (G>A on the coding strand, the complement: ANKRD26 is on the minus strand). VCF-style: chr10-27039981-C-T. GRCh37 (hg19) VCF-style: chr10-27328910-C-T.
Other names: c.2356G>A, p.Glu786Lys (NM_001256053.2); short protein forms E786K, E787K.
Identifiers: ClinVar variation 3914603 (VCV003914603.1).

ClinVar aggregate classification (germline): Uncertain significance (1 of 4 stars; one submission).

Conditions:
Inborn genetic diseases. Identifiers: MedGen C0950123, MeSH D030342.

gnomAD v4.1: 1 of 1,613,430 alleles (0.000062%); highest among the groups gnomAD compares: Admixed American, 0.0017%; no homozygotes.

Submission:

Ambry Genetics
Classification: Uncertain significance for Inborn genetic diseases. Last evaluated: 2025-05-19. Review status: criteria provided, single submitter. Criteria: Ambry Variant Classification Scheme 2023. Collection method: clinical testing. Allele origin: germline.
Comment: The p.E787K variant (also known as c.2359G>A), located in coding exon 21 of the ANKRD26 gene, results from a G to A substitution at nucleotide position 2359. The glutamic acid at codon 787 is replaced by lysine, an amino acid with similar properties. This amino acid position is conserved. In addition, this alteration is predicted to be tolerated by in silico analysis. Based on the available evidence, the clinical significance of this variant remains unclear.